The following is an entry in ClinVar:

ClinVar aggregate classification (germline): Pathogenic. Review status: reviewed by expert panel (3 of 4 stars). 13 submissions from 13 submitters: Pathogenic (1). 12 of the submissions do not count toward it. Last evaluated 2016-09-08.

Conditions:
Hereditary breast ovarian cancer syndrome. Also called: Hereditary breast and ovarian cancer syndrome; Hereditary breast and ovarian cancer; Hereditary breast and ovarian cancer syndrome (HBOC); Breast and ovarian cancer; Hereditary breast and/or ovarian cancer syndrome; BRCA1- and BRCA2-Associated Hereditary Breast and Ovarian Cancer. Identifiers: Orphanet 145, MedGen C0677776, MeSH D061325, MONDO:0003582. Disease mechanism: loss of function.
Breast-ovarian cancer, familial, susceptibility to, 2 (BROVCA2). Also called: BRCA2 Hereditary Breast and Ovarian Cancer. Identifiers: Orphanet 145, MedGen C2675520, MONDO:0012933, OMIM 612555. Disease mechanism: loss of function.
Familial cancer of breast. Also called: BREAST CANCER, FAMILIAL; Hereditary breast cancer; hereditary breast carcinoma. Identifiers: Orphanet 227535, MedGen C0346153, MONDO:0016419, OMIM 114480. Disease mechanism: loss of function.
Breast carcinoma. Also called: Carcinoma of breast. Identifiers: MedGen C0678222, MONDO:0004989, HP:0003002.
Breast and/or ovarian cancer. Identifiers: MedGen CN221562.
Hereditary cancer-predisposing syndrome. Also called: Neoplastic Syndromes, Hereditary; Tumor predisposition; Hereditary Cancer Syndrome; Hereditary neoplastic syndrome. Identifiers: Orphanet 140162, MedGen C0027672, MeSH D009386, MONDO:0015356.

Allele frequency attached by ClinVar (database versions not stated): gnomAD exomes below 0.00001.
gnomAD v4.1: 1 of 1,611,010 alleles (0.000062%); highest among the groups gnomAD compares: Non-Finnish European, 0.000085%; no homozygotes.

Submissions (13):

Evidence-based Network for the Interpretation of Germline Mutant Alleles (ENIGMA)
Classification: Pathogenic for Breast-ovarian cancer, familial, susceptibility to, 2. Last evaluated: 2016-09-08. Review status: reviewed by expert panel. Criteria: ENIGMA BRCA1/2 Classification Criteria (2015). Collection method: curation. Allele origin: germline.
Comment: Variant allele predicted to encode a truncated non-functional protein.

Labcorp Genetics (formerly Invitae), Labcorp
Classification: Pathogenic for Hereditary breast ovarian cancer syndrome. Last evaluated: 2026-01-27. Review status: criteria provided, single submitter. Criteria: Invitae Variant Classification Sherloc (09022015). Collection method: clinical testing. Allele origin: germline. Not counted in ClinVar's aggregate classification.
Comment: This sequence change creates a premature translational stop signal (p.Gln472*) in the BRCA2 gene. It is expected to result in an absent or disrupted protein product. Loss-of-function variants in BRCA2 are known to be pathogenic (PMID: 20104584). This variant is not present in population databases (gnomAD no frequency). This premature translational stop signal has been observed in individual(s) with high risk of breast and/or ovarian cancer (PMID: 29446198). ClinVar contains an entry for this variant (Variation ID: 51121). For these reasons, this variant has been classified as Pathogenic.

Color Diagnostics, LLC DBA Color Health
Classification: Pathogenic for Hereditary cancer-predisposing syndrome. Last evaluated: 2025-10-07. Review status: criteria provided, single submitter. Criteria: ACMG Guidelines, 2015. Collection method: clinical testing. Allele origin: germline. Not counted in ClinVar's aggregate classification.
Comment: This variant changes 1 nucleotide in exon 10 of the BRCA2 gene, creating a premature translation stop signal. This variant is expected to result in an absent or non-functional protein product. This variant has been reported in at least three individuals affected with breast and/or ovarian cancer and in two suspected hereditary breast and ovarian cancer families (PMID: 29446198, 31409081, 32658311, 32776218, 33558524). Multifactorial analysis on clinical data has reached a combined likelihood ratio (LR) of 0.491 from published LR for 1 carrier (PMID: 31853058). This variant has been identified in 1/1458702 chromosomes in the general population by the Genome Aggregation Database (gnomAD). Loss of BRCA2 function is a known mechanism of disease. Based on the available evidence, this variant is classified as Pathogenic.

Ambry Genetics
Classification: Pathogenic for Hereditary cancer-predisposing syndrome. Last evaluated: 2023-11-29. Review status: criteria provided, single submitter. Criteria: Ambry Variant Classification Scheme 2023. Collection method: clinical testing. Allele origin: germline. Not counted in ClinVar's aggregate classification.
Comment: The p.Q472* pathogenic mutation (also known as c.1414C>T), located in coding exon 9 of the BRCA2 gene, results from a C to T substitution at nucleotide position 1414. This changes the amino acid from a glutamine to a stop codon within coding exon 9. This variant is considered to be rare based on population cohorts in the Genome Aggregation Database (gnomAD). This alteration is expected to result in loss of function by premature protein truncation or nonsense-mediated mRNA decay. As such, this alteration is interpreted as a disease-causing mutation.

GeneDx
Classification: Pathogenic. Last evaluated: 2023-05-04. Review status: criteria provided, single submitter. Criteria: GeneDx Variant Classification Process June 2021. Collection method: clinical testing. Allele origin: germline. Affected: yes. Not counted in ClinVar's aggregate classification.
Comment: Nonsense variant predicted to result in protein truncation or nonsense mediated decay in a gene for which loss of function is a known mechanism of disease; Not observed at significant frequency in large population cohorts (gnomAD); Truncating variants in this gene are considered pathogenic by a well-established clinical consortium and/or database; Also known as 1642C>T; This variant is associated with the following publications: (PMID: 30787465, 33558524, 31409081, 32377563, 35753294, 29446198, Bahsi2019[article], 32776218, 35171259, 32658311)

Baylor Genetics
Classification: Pathogenic for Familial cancer of breast. Last evaluated: 2022-02-15. Review status: criteria provided, single submitter. Criteria: ACMG Guidelines, 2015. Collection method: clinical testing. Allele origin: unknown. Not counted in ClinVar's aggregate classification.

Women's Health and Genetics/Laboratory Corporation of America, LabCorp
Classification: Pathogenic for Hereditary breast ovarian cancer syndrome. Last evaluated: 2021-12-20. Review status: criteria provided, single submitter. Criteria: LabCorp Variant Classification Summary - May 2015. Collection method: clinical testing. Allele origin: germline. Not counted in ClinVar's aggregate classification.
Comment: Variant summary: BRCA2 c.1414C>T (p.Gln472X) also know as HGVS 1642C>T results in a premature termination codon, predicted to cause a truncation of the encoded protein or absence of the protein due to nonsense mediated decay, which are commonly known mechanisms for disease. Truncations downstream of this position have been classified as pathogenic by our laboratory. The variant was absent in 247704 control chromosomes (gnomAD). c.1414C>T has been reported in the literature in individuals affected with Hereditary Breast And Ovarian Cancer Syndrome (examples: Moradian_2021, Akcay_2020, Sokolenko_2020, Machackova_2019 and Rebbeck_BRCA1_2018). These data indicate that the variant is associated with disease. To our knowledge, no experimental evidence demonstrating an impact on protein function has been reported. Seven clinical diagnostic laboratories and and expert panel (ENIGMA) have submitted clinical-significance assessments for this variant to ClinVar after 2014 and all classified the variant as pathogenic. Based on the evidence outlined above, the variant was classified as pathogenic.

Consortium of Investigators of Modifiers of BRCA1/2 (CIMBA), c/o University of Cambridge
Classification: Pathogenic for Breast-ovarian cancer, familial, susceptibility to, 2. Last evaluated: 2015-10-02. Review status: criteria provided, single submitter. Criteria: CIMBA Mutation Classification guidelines May 2016. Collection method: clinical testing. Allele origin: germline. Not counted in ClinVar's aggregate classification.

Medical Genetics Laboratory, Umraniye Training and Research Hospital, University of Health Sciences
Classification: Pathogenic for Breast carcinoma. Last evaluated: 2021-08-09. Review status: no assertion criteria provided. Collection method: clinical testing. Allele origin: germline. Inheritance: Autosomal dominant inheritance. Affected: yes. Observed: 1 variant allele, 1 heterozygote. Not counted in ClinVar's aggregate classification.

Center of Medical Genetics and Primary Health Care
Classification: Pathogenic for Hereditary breast and ovarian cancer syndrome. Last evaluated: 2020-04-08. Review status: no assertion criteria provided. Collection method: research. Allele origin: germline. Affected: yes. Observed: 1 heterozygote. Not counted in ClinVar's aggregate classification.
Comment: ACMG Guidelines 2015 criteria The BRCA2 variant p.Gln472Ter is a known pathogenic variant in exon 10 and in a non- functional domain. This nonsense variant truncates the protein and thus makes it non-functional which is an established disease mechanism in hereditary breast and ovarian cancer (PVS1 Pathogenic Very Strong). This variant was observed in a mutation hotspot region of 20 pathogenic variants (source, ClinVar) (PM1 Pathogenic Moderate). The variant is not found in GnomAD exomes neither in GnomAD genomes (PM2 Pathogenic Moderate). The variant has been classified as pathogenic by the ClinGen-approved ENIGMA expert panel (ClinVar SCV000300429.2) (PP5 Pathogenic Supporting). Therefore, this variant was classified as a Pathogenic.

CZECANCA consortium
Classification: Pathogenic for Breast and/or ovarian cancer. Last evaluated: 2019-06-11. Review status: no assertion criteria provided. Collection method: clinical testing. Allele origin: germline. Affected: yes. Observed: 5 variant alleles. Not counted in ClinVar's aggregate classification.

Breast Cancer Information Core (BIC) (BRCA2)
Classification: Pathogenic for Breast-ovarian cancer, familial 2. Last evaluated: 2003-12-23. Review status: no assertion criteria provided. Collection method: clinical testing. Allele origin: germline. Affected: yes. Observed: 1 variant allele. Not counted in ClinVar's aggregate classification.

Research and Experiment Center, Meizhou People's Hospital
Classification: Pathogenic for Familial cancer of breast. Review status: no assertion criteria provided. Collection method: clinical testing. Allele origin: germline. Affected: yes. Not counted in ClinVar's aggregate classification.

Literature cited by the submitters: PubMed 20104584 (cited by Labcorp Genetics (formerly Invitae), Labcorp); PubMed 29446198 (cited by 4 submitters); PubMed 31409081 (cited by 3 submitters); PubMed 31853058 (cited by Color Diagnostics, LLC DBA Color Health); PubMed 32658311 (cited by 3 submitters); PubMed 32776218 (cited by 3 submitters); PubMed 33558524 (cited by 3 submitters); PubMed 32295079 (cited by CZECANCA consortium).

NM_000059.4(BRCA2):c.1414C>T (p.Gln472Ter)

Gene: BRCA2 (BRCA2 DNA repair associated; plus strand). Cytogenetic location: 13q13.1.
Variant type: single nucleotide variant.
Coding change: c.1414C>T on transcript NM_000059.4 (MANE Select); coding-DNA position 1414, C replaced by T.
Protein change: p.Gln472Ter; replaces glutamine 472 with a stop codon.
Molecular consequence: nonsense.
Genome position (GRCh38, 1-based): chr13:32,332,892, C>T. VCF-style: chr13-32332892-C-T. GRCh37 (hg19) VCF-style: chr13-32907029-C-T.
Other names: short protein forms Q472*.
Identifiers: ClinVar variation 51121 (VCV000051121.25), dbSNP rs80358429, ClinGen allele CA011969.